The following is an entry in ClinVar:

NM_001042424.3(NSD2):c.1466C>G (p.Ser489Ter)

Gene: NSD2 (nuclear receptor binding SET domain protein 2; plus strand). Cytogenetic location: 4p16.3.
Variant type: single nucleotide variant.
Coding change: c.1466C>G on transcript NM_001042424.3 (MANE Select); coding-DNA position 1466, C replaced by G.
Protein change: p.Ser489Ter; replaces serine 489 with a stop codon.
Molecular consequence: nonsense.
Genome position (GRCh38, 1-based): chr4:1,930,681, C>G. VCF-style: chr4-1930681-C-G. GRCh37 (hg19) VCF-style: chr4-1932408-C-G.
Other names: c.1466C>G, p.Ser489Ter (NM_001440896.1, NM_001440897.1, NM_001440898.1 and 8 more transcripts); c.497C>G, p.Ser166Ter (NM_001440899.1, NM_001440900.1); c.1565C>G, p.Ser522Ter (NM_001440893.1); short protein forms S166*, S489*, S522*.
Identifiers: ClinVar variation 4087730 (VCV004087730.1).

ClinVar aggregate classification (germline): Pathogenic (1 of 4 stars; one submission).

Conditions:
Rauch-Steindl syndrome (RAUST). Identifiers: Orphanet 659642, MedGen C5562061, MONDO:0859219, OMIM 619695.

Submission:

Pediatrics, Sichuan Provincial Hospital For Women And Children
Classification: Pathogenic for Rauch-Steindl syndrome. Last evaluated: 2024-07-17. Review status: criteria provided, single submitter. Criteria: ACMG Guidelines, 2015. Collection method: clinical testing. Allele origin: de novo. Inheritance: Autosomal dominant inheritance. Affected: yes.
Comment: According to the ACMG/AMP guidelines for variant interpretation, this variant is classified as Pathogenic, meeting the following criteria: PVS1 + PM2_Supporting + PS2_Supporting. 1.PVS1: The NSD2 variant c.1466C>G is a nonsense variant, predicted to result in a loss of function (LoF). LoF is a known mechanism of disease for NSD2. The variant is located in exon 6 (of 22 exons) of a biologically relevant transcript (NM_001042424.3). 2.PS2_Supporting: The NSD2 variant c.1466C>G was confirmed to be de novo following segregation analysis in the parents (the possibility of low-level somatic or gonadal mosaicism cannot be entirely excluded). 3.PM2_Supporting: The variant is absent from both the exome and genome sequencing datasets of the gnomAD population database.